The following is an entry in ClinVar:

ClinVar aggregate classification (germline): Pathogenic (1 of 4 stars; one submission).

Submission:

Labcorp Genetics (formerly Invitae), Labcorp
Classification: Pathogenic. Last evaluated: 2025-02-24. Review status: criteria provided, single submitter. Criteria: Invitae Variant Classification Sherloc (09022015). Collection method: clinical testing. Allele origin: germline.
Comment: This sequence change creates a premature translational stop signal (p.Glu969Ilefs*68) in the EPRS gene. It is expected to result in an absent or disrupted protein product. Loss-of-function variants in EPRS are known to be pathogenic (PMID: 29576217). This variant is not present in population databases (gnomAD no frequency). This variant has not been reported in the literature in individuals affected with EPRS-related conditions. ClinVar contains an entry for this variant (Variation ID: 1680914). For these reasons, this variant has been classified as Pathogenic.

Literature cited by the submitters: PubMed 29576217.

NM_004446.3(EPRS1):c.2905_2908del (p.Glu969fs)

Gene: EPRS1 (glutamyl-prolyl-tRNA synthetase 1; minus strand). Cytogenetic location: 1q41.
Variant type: Deletion.
Coding change: c.2905_2908del on transcript NM_004446.3 (MANE Select); coding-DNA positions 2905 to 2908, 4 bases deleted (GAAA; older notation c.2905_2908delGAAA).
Protein change: p.Glu969fs; shifts the reading frame from glutamic acid 969.
Molecular consequence: frameshift variant.
Genome position (GRCh38, 1-based): chr1:219,987,272-219,987,275, TTTC deleted on the plus strand (GAAA on the coding strand, the reverse complement: EPRS1 is on the minus strand); deleting any 4 consecutive bases within chr1:219,987,272-219,987,278 gives the same sequence; the c. name uses the placement nearest the transcript's 3' end. VCF-style (leftmost placement, unchanged base first): chr1-219987271-TTTTC-T. GRCh37 (hg19) VCF-style: chr1-220160613-TTTTC-T.
Other names: short protein forms E969fs.
Identifiers: ClinVar variation 1680914 (VCV001680914.6), dbSNP rs2102568016, ClinGen allele CA2573132764.